The following is an entry in ClinVar:

ClinVar aggregate classification (germline): Likely benign (1 of 4 stars; one submission).

Allele frequency attached by ClinVar (database versions not stated): 1000 Genomes Project 0.00779; 1000 Genomes Project 30x 0.00781; TOPMed 0.01458; gnomAD 0.01744 and 0.01790.
gnomAD v4.1: 2,654 of 152,296 alleles (1.7%); highest among the groups gnomAD compares: Non-Finnish European, 2.5%; 40 homozygotes.

Submission:

GeneDx
Classification: Likely benign. Last evaluated: 2018-06-14. Review status: criteria provided, single submitter. Criteria: GeneDx Variant Classification (06012015). Collection method: clinical testing. Allele origin: germline. Affected: yes.
Comment: This variant is considered likely benign or benign based on one or more of the following criteria: it is a conservative change, it occurs at a poorly conserved position in the protein, it is predicted to be benign by multiple in silico algorithms, and/or has population frequency not consistent with disease.

NM_000093.5(COL5A1):c.3366+245C>A

Gene: COL5A1 (collagen type V alpha 1 chain; plus strand). Cytogenetic location: 9q34.3.
Variant type: single nucleotide variant.
Coding change: c.3366+245C>A on transcript NM_000093.5 (MANE Select); 245 bases into the intron after coding-DNA position 3366, C replaced by A.
Molecular consequence: intron variant.
Genome position (GRCh38, 1-based): chr9:134,806,541, C>A. VCF-style: chr9-134806541-C-A. GRCh37 (hg19) VCF-style: chr9-137698387-C-A.
Other names: c.3366+245C>A (NM_001278074.1).
Identifiers: ClinVar variation 678571 (VCV000678571.1), dbSNP rs138196691, ClinGen allele CA201082363.